The following is an entry in ClinVar:

ClinVar aggregate classification (germline): Uncertain significance (1 of 4 stars; one submission).

gnomAD v4.1: 2 of 1,614,022 alleles (0.00012%); highest among the groups gnomAD compares: Non-Finnish European, 0.00017%; no homozygotes.

Submission:

Labcorp Genetics (formerly Invitae), Labcorp
Classification: Uncertain significance. Last evaluated: 2024-03-04. Review status: criteria provided, single submitter. Criteria: Invitae Variant Classification Sherloc (09022015). Collection method: clinical testing. Allele origin: germline.
Comment: This sequence change replaces glycine, which is neutral and non-polar, with glutamic acid, which is acidic and polar, at codon 777 of the ALPK3 protein (p.Gly777Glu). This variant is not present in population databases (gnomAD no frequency). This variant has not been reported in the literature in individuals affected with ALPK3-related conditions. An algorithm developed to predict the effect of missense changes on protein structure and function (PolyPhen-2) suggests that this variant is likely to be disruptive. In summary, the available evidence is currently insufficient to determine the role of this variant in disease. Therefore, it has been classified as a Variant of Uncertain Significance.

NM_020778.5(ALPK3):c.1724G>A (p.Gly575Glu)

Gene: ALPK3 (alpha kinase 3; plus strand). Cytogenetic location: 15q25.3.
Variant type: single nucleotide variant.
Coding change: c.1724G>A on transcript NM_020778.5 (MANE Select); coding-DNA position 1724, G replaced by A.
Protein change: p.Gly575Glu; replaces glycine 575 with glutamic acid.
Molecular consequence: missense variant.
Genome position (GRCh38, 1-based): chr15:84,856,462, G>A. VCF-style: chr15-84856462-G-A. GRCh37 (hg19) VCF-style: chr15-85399693-G-A.
Other names: short protein forms G575E.
Identifiers: ClinVar variation 3644470 (VCV003644470.2).